The following is an entry in ClinVar:

NM_006073.4(TRDN):c.483del (p.Val162fs)

Gene: TRDN (triadin; minus strand). Cytogenetic location: 6q22.31.
Variant type: Deletion.
Coding change: c.483del on transcript NM_006073.4 (MANE Select); coding-DNA position 483, one base deleted (A; older notation c.483delA).
Protein change: p.Val162fs; shifts the reading frame from valine 162.
Molecular consequence: frameshift variant.
Genome position (GRCh38, 1-based): chr6:123,530,507, T deleted on the plus strand (A on the coding strand, the reverse complement: TRDN is on the minus strand); the first of 3 consecutive T bases (chr6:123,530,507-123,530,509); deleting any one gives the same sequence. VCF-style (leftmost placement, unchanged base first): chr6-123530506-CT-C. GRCh37 (hg19) VCF-style: chr6-123851651-CT-C.
Other names: c.483del (NM_001256020.1, NM_006073.3); c.483del, p.Val162fs (NM_001251987.2, NM_001256020.2, NM_001256021.2 and 1 more transcripts); c.483del, p.Glu162fs (NM_001256022.2); c.483delA (NM_006073.4); short protein forms V162fs, E162fs.
Identifiers: ClinVar variation 2732852 (VCV002732852.8), dbSNP rs1780193710, ClinGen allele CA1093990994.

ClinVar aggregate classification (germline): Pathogenic/Likely pathogenic. Review status: criteria provided, multiple submitters, no conflicts (2 of 4 stars). 6 submissions from 6 submitters: Pathogenic (2); Likely pathogenic (4). Last evaluated 2026-04-29.

Conditions:
Catecholaminergic polymorphic ventricular tachycardia 1. Also called: VENTRICULAR TACHYCARDIA, CATECHOLAMINERGIC POLYMORPHIC, 1, WITH OR WITHOUT ATRIAL DYSFUNCTION AND/OR DILATED CARDIOMYOPATHY; RYR2-Related Catecholaminergic Polymorphic Ventricular Tachycardia; VENTRICULAR TACHYCARDIA, STRESS-INDUCED POLYMORPHIC 1. Identifiers: Orphanet 3286, MedGen C1631597, MONDO:0011484, OMIM 604772.
Catecholaminergic polymorphic ventricular tachycardia 5 (CARDAR). Also called: Ventricular tachycardia, catecholaminergic polymorphic, 5, with or without muscle weakness; CARDIAC ARRHYTHMIA SYNDROME, WITH OR WITHOUT SKELETAL MUSCLE WEAKNESS. Identifiers: Orphanet 3286, MedGen C3809536, MONDO:0014191, OMIM 615441.
TRDN-related disorder. Also called: TRDN-related condition.

Submissions (6):

Women's Health and Genetics/Laboratory Corporation of America, LabCorp
Classification: Pathogenic for Catecholaminergic polymorphic ventricular tachycardia 1. Last evaluated: 2026-04-29. Review status: criteria provided, single submitter. Criteria: LabCorp Variant Classification Summary - May 2015. Collection method: clinical testing. Allele origin: germline.
Comment: Variant summary: TRDN c.483delA (p.Val162LeufsX13) results in a premature termination codon, predicted to cause a truncation of the encoded protein or absence of the protein due to nonsense mediated decay, which are commonly known mechanisms for disease. Consensus agreement among computation tools predict no significant impact on normal splicing. However, these predictions have yet to be confirmed by functional studies. The variant was absent in 90142 control chromosomes. To our knowledge, no occurrence of c.483delA in individuals affected with TRDN-related conditions and no experimental evidence demonstrating its impact on protein function have been reported. ClinVar contains an entry for this variant (Variation ID: 2732852). Based on the evidence outlined above, the variant was classified as pathogenic.

GeneDx
Classification: Likely pathogenic. Last evaluated: 2026-03-31. Review status: criteria provided, single submitter. Criteria: GeneDx Variant Classification Process June 2021. Collection method: clinical testing. Allele origin: germline.
Comment: Frameshift variant predicted to result in protein truncation or nonsense mediated decay in a gene for which loss of function is a known mechanism of disease; Not observed at significant frequency in large population cohorts (gnomAD); Has not been previously published as pathogenic or benign to our knowledge

Labcorp Genetics (formerly Invitae), Labcorp
Classification: Pathogenic for Catecholaminergic polymorphic ventricular tachycardia 1. Last evaluated: 2026-01-28. Review status: criteria provided, single submitter. Criteria: Invitae Variant Classification Sherloc (09022015). Collection method: clinical testing. Allele origin: germline.
Comment: This sequence change creates a premature translational stop signal (p.Val162Leufs*13) in the TRDN gene. It is expected to result in an absent or disrupted protein product. Loss-of-function variants in TRDN are known to be pathogenic (PMID: 22422768, 25922419, 26200674, 30649896). This variant is not present in population databases (gnomAD no frequency). This variant has not been reported in the literature in individuals affected with TRDN-related conditions. ClinVar contains an entry for this variant (Variation ID: 2732852). For these reasons, this variant has been classified as Pathogenic.

Revvity Omics, Revvity
Classification: Likely pathogenic for Catecholaminergic polymorphic ventricular tachycardia 5. Last evaluated: 2025-01-09. Review status: criteria provided, single submitter. Criteria: ACMG Guidelines, 2015. Collection method: clinical testing. Allele origin: germline.

Fulgent Genetics
Classification: Likely pathogenic for Catecholaminergic polymorphic ventricular tachycardia 5. Last evaluated: 2024-04-24. Review status: criteria provided, single submitter. Criteria: ACMG Guidelines, 2015. Collection method: clinical testing. Allele origin: germline.

Blueprint Genetics
Classification: Likely pathogenic for TRDN-related disorders. Last evaluated: 2024-04-09. Review status: criteria provided, single submitter. Criteria: ACMG Guidelines, 2015. Collection method: clinical testing. Allele origin: germline. Affected: yes. Observed: 1 variant allele.

Literature cited by the submitters: PubMed 22422768 (cited by Labcorp Genetics (formerly Invitae), Labcorp); PubMed 25922419 (cited by Labcorp Genetics (formerly Invitae), Labcorp); PubMed 26200674 (cited by Labcorp Genetics (formerly Invitae), Labcorp); PubMed 30649896 (cited by Labcorp Genetics (formerly Invitae), Labcorp).